The following is an entry in ClinVar:

ClinVar aggregate classification (germline): Uncertain significance (1 of 4 stars; one submission).

Conditions:
Muscular dystrophy-dystroglycanopathy type B6 (MDDGB6). Also called: MUSCULAR DYSTROPHY, CONGENITAL, LARGE-RELATED; MUSCULAR DYSTROPHY, CONGENITAL, TYPE 1D; MUSCULAR DYSTROPHY-DYSTROGLYCANOPATHY (CONGENITAL WITH IMPAIRED INTELLECTUAL DEVELOPMENT), TYPE B, 6. Identifiers: MedGen C1837229, MONDO:0012138, OMIM 608840.

Submission:

Labcorp Genetics (formerly Invitae), Labcorp
Classification: Uncertain significance for Muscular dystrophy-dystroglycanopathy type B6. Last evaluated: 2018-08-09. Review status: criteria provided, single submitter. Criteria: Invitae Variant Classification Sherloc (09022015). Collection method: clinical testing. Allele origin: germline.
Comment: This variant is not present in population databases (ExAC no frequency). In summary, the available evidence is currently insufficient to determine the role of this variant in disease. Therefore, it has been classified as a Variant of Uncertain Significance. Algorithms developed to predict the effect of missense changes on protein structure and function are either unavailable or do not agree on the potential impact of this missense change (SIFT: "Deleterious"; PolyPhen-2: "Possibly Damaging"; Align-GVGD: "Class C0"). This variant has not been reported in the literature in individuals with LARGE1-related disease. This sequence change replaces valine with methionine at codon 132 of the LARGE1 protein (p.Val132Met). The valine residue is moderately conserved and there is a small physicochemical difference between valine and methionine.

NM_133642.5(LARGE1):c.394G>A (p.Val132Met)

Gene: LARGE1 (LARGE xylosyl- and glucuronyltransferase 1; minus strand). Cytogenetic location: 22q12.3.
Variant type: single nucleotide variant.
Coding change: c.394G>A on transcript NM_133642.5 (MANE Select); coding-DNA position 394, G replaced by A.
Protein change: p.Val132Met; replaces valine 132 with methionine.
Molecular consequence: missense variant.
Genome position (GRCh38, 1-based): chr22:33,650,381, C>T on the plus strand (G>A on the coding strand, the complement: LARGE1 is on the minus strand). VCF-style: chr22-33650381-C-T. GRCh37 (hg19) VCF-style: chr22-34046367-C-T.
Other names: c.394G>A, p.Val132Met (NM_001362949.2, NM_001362951.2, NM_001362953.2 and 7 more transcripts); short protein forms V132M.
Identifiers: ClinVar variation 641911 (VCV000641911.9), dbSNP rs913704656, ClinGen allele CA323755358.